The following is an entry in ClinVar:

ClinVar aggregate classification (germline): Pathogenic/Likely pathogenic. Review status: criteria provided, multiple submitters, no conflicts (2 of 4 stars). 5 submissions from 5 submitters: Pathogenic (4); Likely pathogenic (1). Last evaluated 2026-02-27.

Conditions:
CEP164-related disorder. Also called: CEP164-related condition.
Fetal anomalies with a likely genetic cause.
Nephronophthisis 15 (NPHP15). Identifiers: Orphanet 3156, MedGen C3541853, MONDO:0013917, OMIM 614845.

Submissions (5):

Genetics Laboratory, Great Ormond Street Hospital NHS Foundation Trust, North Thames Genomic Laboratory Hub
Classification: Pathogenic for Fetal anomalies with a likely genetic cause. Last evaluated: 2026-02-27. Review status: criteria provided, single submitter. Criteria: ACGS Best Practice Guidelines for Variant Classification in Rare Disease 2024 v1.2. Collection method: clinical testing. Allele origin: germline. Affected: yes.
Comment: PM2_moderate, PVS1_very-strong, PM3_supporting

PreventionGenetics, part of Exact Sciences
Classification: Pathogenic for CEP164-related condition. Last evaluated: 2025-10-08. Review status: criteria provided, single submitter. Criteria: ACMG Guidelines, 2015. Collection method: clinical testing. Allele origin: germline.
Comment: The CEP164 c.1481dupC variant is predicted to result in a frameshift and premature protein termination (p.Pro495Serfs*43). This variant has been reported in the compound heterozygous state in a fetus with ultrasound anomalies (Table S4 in Diderich et al. 2021. PubMed ID: 33249554). This variant is reported in 0.0059% of alleles in individuals of Latino descent in gnomAD. Frameshift variants in CEP164 are expected to be pathogenic. This variant is interpreted as pathogenic.

Labcorp Genetics (formerly Invitae), Labcorp
Classification: Pathogenic for Nephronophthisis 15. Last evaluated: 2025-03-13. Review status: criteria provided, single submitter. Criteria: Invitae Variant Classification Sherloc (09022015). Collection method: clinical testing. Allele origin: germline.
Comment: This sequence change creates a premature translational stop signal (p.Pro495Serfs*43) in the CEP164 gene. It is expected to result in an absent or disrupted protein product. Loss-of-function variants in CEP164 are known to be pathogenic (PMID: 22863007, 28125082, 32367404, 34132027, 34499853). The frequency data for this variant in the population databases is considered unreliable, as metrics indicate poor data quality at this position in the gnomAD database. This variant has not been reported in the literature in individuals affected with CEP164-related conditions. ClinVar contains an entry for this variant (Variation ID: 1009382). For these reasons, this variant has been classified as Pathogenic.

Fulgent Genetics
Classification: Pathogenic for Nephronophthisis 15. Last evaluated: 2024-05-29. Review status: criteria provided, single submitter. Criteria: ACMG Guidelines, 2015. Collection method: clinical testing. Allele origin: germline.

Blueprint Genetics
Classification: Likely pathogenic for CEP164-related disorders. Last evaluated: 2023-09-26. Review status: criteria provided, single submitter. Criteria: ACMG Guidelines, 2015. Collection method: clinical testing. Allele origin: germline. Affected: yes. Observed: 3 variant alleles.

Literature cited by the submitters: PubMed 22863007 (cited by Labcorp Genetics (formerly Invitae), Labcorp); PubMed 28125082 (cited by Labcorp Genetics (formerly Invitae), Labcorp); PubMed 32367404 (cited by Labcorp Genetics (formerly Invitae), Labcorp); PubMed 34132027 (cited by Labcorp Genetics (formerly Invitae), Labcorp); PubMed 34499853 (cited by Labcorp Genetics (formerly Invitae), Labcorp).

NM_014956.5(CEP164):c.1481dup (p.Pro495fs)

Gene: CEP164 (centrosomal protein 164; plus strand). Cytogenetic location: 11q23.3.
Variant type: Duplication.
Coding change: c.1481dup on transcript NM_014956.5 (MANE Select); coding-DNA position 1481, one base duplicated (C; older notation c.1481dupC).
Protein change: p.Pro495fs; shifts the reading frame from proline 495.
Molecular consequence: frameshift variant.
Genome position (GRCh38, 1-based): chr11:117,381,772, C duplicated; the last of 2 consecutive C bases (chr11:117,381,771-117,381,772); duplicating either gives the same sequence. VCF-style (leftmost placement, unchanged base first): chr11-117381770-G-GC. GRCh37 (hg19) VCF-style: chr11-117252486-G-GC.
Other names: c.1490dup, p.Pro498fs (NM_001271933.2); c.1481dupC (NM_014956.4); short protein forms P495fs, P498fs.
Identifiers: ClinVar variation 1009382 (VCV001009382.10), dbSNP rs752518735, ClinGen allele CA6294766.
Genomic context (GRCh38, chr11:117,381,770, plus strand): 5'-TCCACTTCCACACGAGGAGCGGGCCCAGAGTCCCCCTCGCAGCCTGGCCACTGAAGAAGA[G>GC]CCTCCCCAGGGCCCCGAGGGGCAGCCCGAGTGGAAGGAGGCAGAGGAGCTTGGGGAGGAC-3'